The following is an entry in ClinVar:

NM_001379500.1(COL18A1):c.2221G>A (p.Ala741Thr)

Gene: COL18A1 (collagen type XVIII alpha 1 chain; plus strand). Cytogenetic location: 21q22.3.
Variant type: single nucleotide variant.
Coding change: c.2221G>A on transcript NM_001379500.1 (MANE Select); coding-DNA position 2221, G replaced by A.
Protein change: p.Ala741Thr; replaces alanine 741 with threonine.
Molecular consequence: missense variant.
Genome position (GRCh38, 1-based): chr21:45,493,169, G>A. VCF-style: chr21-45493169-G-A. GRCh37 (hg19) VCF-style: chr21-46913083-G-A.
Other names: c.2761G>A, p.Ala921Thr (NM_030582.4); c.3466G>A, p.Ala1156Thr (NM_130444.3); short protein forms A741T, A921T, A1156T.
Identifiers: ClinVar variation 1413078 (VCV001413078.6), dbSNP rs2145993591, ClinGen allele CA410497253.

ClinVar aggregate classification (germline): Uncertain significance (1 of 4 stars; one submission).

Allele frequency attached by ClinVar (database versions not stated): gnomAD exomes below 0.00001.
gnomAD v4.1: 1 of 1,558,936 alleles (0.000064%); highest among the groups gnomAD compares: Non-Finnish European, 0.000087%; no homozygotes.

Submission:

Labcorp Genetics (formerly Invitae), Labcorp
Classification: Uncertain significance. Last evaluated: 2021-04-22. Review status: criteria provided, single submitter. Criteria: Invitae Variant Classification Sherloc (09022015). Collection method: clinical testing. Allele origin: germline.
Comment: In summary, the available evidence is currently insufficient to determine the role of this variant in disease. Therefore, it has been classified as a Variant of Uncertain Significance. Experimental studies and prediction algorithms are not available or were not evaluated, and the functional significance of this variant is currently unknown. This variant has not been reported in the literature in individuals with COL18A1-related conditions. This variant is not present in population databases (ExAC no frequency). This sequence change replaces alanine with threonine at codon 741 of the COL18A1 protein (p.Ala741Thr). The alanine residue is moderately conserved and there is a small physicochemical difference between alanine and threonine.